The following is an entry in ClinVar:

ClinVar aggregate classification (germline): Uncertain significance (1 of 4 stars; one submission).

Conditions:
Hereditary cancer-predisposing syndrome. Also called: Neoplastic Syndromes, Hereditary; Hereditary Cancer Syndrome; Tumor predisposition; Hereditary neoplastic syndrome. Identifiers: Orphanet 140162, MedGen C0027672, MeSH D009386, MONDO:0015356.

gnomAD v4.1: 1 of 1,613,172 alleles (0.000062%); highest among the groups gnomAD compares: South Asian, 0.0011%; no homozygotes.

Submission:

Ambry Genetics
Classification: Uncertain significance for Hereditary cancer-predisposing syndrome. Last evaluated: 2025-01-21. Review status: criteria provided, single submitter. Criteria: Ambry Variant Classification Scheme 2023. Collection method: clinical testing. Allele origin: germline.
Comment: The p.Y875C variant (also known as c.2624A>G), located in coding exon 22 of the TSC2 gene, results from an A to G substitution at nucleotide position 2624. The tyrosine at codon 875 is replaced by cysteine, an amino acid with highly dissimilar properties. This amino acid position is highly conserved in available vertebrate species. In addition, this alteration is predicted to be deleterious by in silico analysis. Based on the available evidence, the clinical significance of this variant remains unclear.

NM_000548.5(TSC2):c.2624A>G (p.Tyr875Cys)

Gene: TSC2 (TSC complex subunit 2; plus strand). Cytogenetic location: 16p13.3.
Variant type: single nucleotide variant.
Coding change: c.2624A>G on transcript NM_000548.5 (MANE Select); coding-DNA position 2624, A replaced by G.
Protein change: p.Tyr875Cys; replaces tyrosine 875 with cysteine.
Molecular consequence: missense variant. On other transcripts: non-coding transcript variant (5).
Genome position (GRCh38, 1-based): chr16:2,075,877, A>G. VCF-style: chr16-2075877-A-G. GRCh37 (hg19) VCF-style: chr16-2125878-A-G.
Other names: c.2624A>G, p.Tyr875Cys (NM_001077183.3, NM_001114382.3, NM_001363528.2 and 6 more transcripts); c.2513A>G, p.Tyr838Cys (NM_001318827.2, NM_001406670.1, NM_001406678.1); c.2477A>G, p.Tyr826Cys (NM_001318829.2, NM_001406675.1, NM_001406676.1 and 1 more transcripts); c.2024A>G, p.Tyr675Cys (NM_001318831.2, NM_001406680.1, NM_001406682.1 and 6 more transcripts); c.2657A>G, p.Tyr886Cys (NM_001318832.2); c.2714A>G, p.Tyr905Cys (NM_001406667.1, NM_001406668.1); c.2612A>G, p.Tyr871Cys (NM_001406671.1, NM_001406673.1); c.2567A>G, p.Tyr856Cys (NM_001406677.1); and 3 more; short protein forms Y826C, Y905C, Y856C, Y871C, Y341C, Y675C, Y838C, Y427C.
Identifiers: ClinVar variation 3811331 (VCV003811331.1).